The following is an entry in ClinVar:

ClinVar aggregate classification (germline): Uncertain significance. Review status: criteria provided, multiple submitters, no conflicts (2 of 4 stars). 3 submissions from 3 submitters: Uncertain significance (3). Last evaluated 2025-08-18.

Conditions:
Inborn genetic diseases. Identifiers: MedGen C0950123, MeSH D030342.
Autosomal recessive limb-girdle muscular dystrophy type 2Q (LGMDR17). Also called: MUSCULAR DYSTROPHY, LIMB-GIRDLE, AUTOSOMAL RECESSIVE 17. Identifiers: Orphanet 254361, MedGen C3150989, MONDO:0013390, OMIM 613723.
Epidermolysis bullosa simplex with nail dystrophy (EBS5D). Identifiers: MedGen C4225309, MONDO:0014661, OMIM 616487.
Epidermolysis bullosa simplex 5C, with pyloric atresia (EBS5C). Also called: PLEC-Related Epidermolysis Bullosa with Pyloric Atresia; Epidermolysis bullosa simplex with pyloric atresia; PLEC1-Related Epidermolysis Bullosa with Pyloric Atresia. Identifiers: Orphanet 158684, MedGen C2677349, MONDO:0012807, OMIM 612138.
Epidermolysis bullosa simplex, Ogna type (EBS5A). Also called: Pidermolysis bullosa simplex 5A, Ogna type; EPIDERMOLYSIS BULLOSA SIMPLEX 5A, OGNA TYPE. Identifiers: Orphanet 79401, MedGen C0432317, MONDO:0007555, OMIM 131950.
Epidermolysis bullosa simplex 5B, with muscular dystrophy (EBS5B). Also called: Epidermolysis bullosa simplex with muscular dystrophy; EPIDERMOLYSIS BULLOSA SIMPLEX AND LIMB-GIRDLE MUSCULAR DYSTROPHY. Identifiers: Orphanet 257, MedGen C2931072, MONDO:0009181, OMIM 226670.

Allele frequency attached by ClinVar (database versions not stated): ExAC 0.00001; gnomAD 0.00002; gnomAD exomes 0.00002; TOPMed 0.00005.
gnomAD v4.1: 59 of 1,612,770 alleles (0.0037%); highest among the groups gnomAD compares: South Asian, 0.0055%; no homozygotes.

Submissions (3):

Labcorp Genetics (formerly Invitae), Labcorp
Classification: Uncertain significance for Autosomal recessive limb-girdle muscular dystrophy type 2Q; Epidermolysis bullosa simplex, Ogna type; Epidermolysis bullosa simplex with nail dystrophy; Epidermolysis bullosa simplex 5C, with pyloric atresia; Epidermolysis bullosa simplex 5B, with muscular dystrophy. Last evaluated: 2025-08-18. Review status: criteria provided, single submitter. Criteria: Invitae Variant Classification Sherloc (09022015). Collection method: clinical testing. Allele origin: germline.
Comment: This sequence change replaces glycine, which is neutral and non-polar, with serine, which is neutral and polar, at codon 2441 of the PLEC protein (p.Gly2441Ser). This variant is present in population databases (rs782229968, gnomAD 0.007%). This variant has not been reported in the literature in individuals affected with PLEC-related conditions. ClinVar contains an entry for this variant (Variation ID: 994728). An algorithm developed to predict the effect of missense changes on protein structure and function outputs the following: PolyPhen-2: "Benign". The serine amino acid residue is found in multiple mammalian species, which suggests that this missense change does not adversely affect protein function. In summary, the available evidence is currently insufficient to determine the role of this variant in disease. Therefore, it has been classified as a Variant of Uncertain Significance.

Ambry Genetics
Classification: Uncertain significance for Inborn genetic diseases. Last evaluated: 2023-10-25. Review status: criteria provided, single submitter. Criteria: Ambry Variant Classification Scheme 2023. Collection method: clinical testing. Allele origin: germline.

Athena Diagnostics
Classification: Uncertain significance. Last evaluated: 2020-09-08. Review status: criteria provided, single submitter. Criteria: Athena Diagnostics criteria. Collection method: clinical testing. Allele origin: unknown.

NM_201384.3(PLEC):c.7240G>A (p.Gly2414Ser)

Gene: PLEC (plectin; minus strand). Cytogenetic location: 8q24.3.
Variant type: single nucleotide variant.
Coding change: c.7240G>A on transcript NM_201384.3 (MANE Select); coding-DNA position 7240, G replaced by A.
Protein change: p.Gly2414Ser; replaces glycine 2414 with serine.
Molecular consequence: missense variant.
Genome position (GRCh38, 1-based): chr8:143,922,689, C>T on the plus strand (G>A on the coding strand, the complement: PLEC is on the minus strand). VCF-style: chr8-143922689-C-T. GRCh37 (hg19) VCF-style: chr8-144996857-C-T.
Other names: c.7321G>A, p.Gly2441Ser (NM_000445.5); c.7198G>A, p.Gly2400Ser (NM_201378.4); c.7174G>A, p.Gly2392Ser (NM_201379.3); c.7651G>A, p.Gly2551Ser (NM_201380.4); c.7144G>A, p.Gly2382Ser (NM_201381.3); c.7240G>A, p.Gly2414Ser (NM_201382.4); c.7252G>A, p.Gly2418Ser (NM_201383.3); short protein forms G2382S, G2392S, G2400S, G2414S, G2418S, G2441S, G2551S.
Identifiers: ClinVar variation 994728 (VCV000994728.11), dbSNP rs782229968, ClinGen allele CA4925713.